The following is an entry in ClinVar:

NM_014363.6(SACS):c.2599T>C (p.Tyr867His)

Gene: SACS (sacsin molecular chaperone; minus strand). Cytogenetic location: 13q12.12.
Variant type: single nucleotide variant.
Coding change: c.2599T>C on transcript NM_014363.6 (MANE Select); coding-DNA position 2599, T replaced by C.
Protein change: p.Tyr867His; replaces tyrosine 867 with histidine.
Molecular consequence: missense variant.
Genome position (GRCh38, 1-based): chr13:23,341,277, A>G on the plus strand (T>C on the coding strand, the complement: SACS is on the minus strand). VCF-style: chr13-23341277-A-G. GRCh37 (hg19) VCF-style: chr13-23915416-A-G.
Other names: c.2158T>C, p.Tyr720His (NM_001278055.2); short protein forms Y867H, Y720H.
Identifiers: ClinVar variation 458260 (VCV000458260.16), dbSNP rs774682589, ClinGen allele CA6911660.

ClinVar aggregate classification (germline): Uncertain significance. Review status: criteria provided, multiple submitters, no conflicts (2 of 4 stars). 4 submissions from 4 submitters: Uncertain significance (3). 1 of the submissions does not count toward it. Last evaluated 2022-07-19.

Conditions:
Spastic paraplegia. Identifiers: MedGen C0037772, HP:0001258.
Charlevoix-Saguenay spastic ataxia (SACS). Also called: SPASTIC ATAXIA 6, AUTOSOMAL RECESSIVE; Spastic ataxia of Charlevoix-Saguenay; AUTOSOMAL RECESSIVE SPASTIC ATAXIA OF CHARLEVOIX-SAGUENAY. Identifiers: Orphanet 98, MedGen C1849140, MONDO:0010041, OMIM 270550.

Allele frequency attached by ClinVar (database versions not stated): TOPMed below 0.00001; ExAC 0.00001; gnomAD exomes 0.00001.
gnomAD v4.1: 10 of 1,613,688 alleles (0.00062%); highest among the groups gnomAD compares: Non-Finnish European, 0.00076%; no homozygotes.

Submissions (4):

Labcorp Genetics (formerly Invitae), Labcorp
Classification: Uncertain significance for Spastic paraplegia. Last evaluated: 2022-07-19. Review status: criteria provided, single submitter. Criteria: Invitae Variant Classification Sherloc (09022015). Collection method: clinical testing. Allele origin: germline.
Comment: This sequence change replaces tyrosine, which is neutral and polar, with histidine, which is basic and polar, at codon 867 of the SACS protein (p.Tyr867His). This variant is present in population databases (rs774682589, gnomAD 0.0009%). This variant has not been reported in the literature in individuals affected with SACS-related conditions. ClinVar contains an entry for this variant (Variation ID: 458260). Algorithms developed to predict the effect of missense changes on protein structure and function are either unavailable or do not agree on the potential impact of this missense change (SIFT: "Deleterious"; PolyPhen-2: "Probably Damaging"; Align-GVGD: "Class C0"). In summary, the available evidence is currently insufficient to determine the role of this variant in disease. Therefore, it has been classified as a Variant of Uncertain Significance.

Genome-Nilou Lab
Classification: Uncertain significance for Charlevoix-Saguenay spastic ataxia. Last evaluated: 2021-09-05. Review status: criteria provided, single submitter. Criteria: ACMG Guidelines, 2015. Collection method: clinical testing. Allele origin: germline. Affected: no.

Mayo Clinic Laboratories, Mayo Clinic
Classification: Uncertain significance. Last evaluated: 2020-02-12. Review status: criteria provided, single submitter. Criteria: ACMG Guidelines, 2015. Collection method: clinical testing. Allele origin: germline. Observed: 1 variant allele.

Natera, Inc.
Classification: Uncertain significance for Charlevoix-Saguenay type spastic ataxia. Last evaluated: 2020-03-09. Review status: no assertion criteria provided. Collection method: clinical testing. Allele origin: germline. Not counted in ClinVar's aggregate classification.